The following is an entry in ClinVar:

NM_005045.4(RELN):c.654A>G (p.Ile218Met)

Gene: RELN (reelin; minus strand). Cytogenetic location: 7q22.1.
Variant type: single nucleotide variant.
Coding change: c.654A>G on transcript NM_005045.4 (MANE Select); coding-DNA position 654, A replaced by G.
Protein change: p.Ile218Met; replaces isoleucine 218 with methionine.
Molecular consequence: missense variant.
Genome position (GRCh38, 1-based): chr7:103,749,428, T>C on the plus strand (A>G on the coding strand, the complement: RELN is on the minus strand). VCF-style: chr7-103749428-T-C. GRCh37 (hg19) VCF-style: chr7-103389875-T-C.
Other names: c.654A>G, p.Ile218Met (NM_173054.3); short protein forms I218M.
Identifiers: ClinVar variation 2940474 (VCV002940474.3), dbSNP rs2485055897, ClinGen allele CA368930199.

ClinVar aggregate classification (germline): Uncertain significance (1 of 4 stars; one submission).

Conditions:
Norman-Roberts syndrome (LIS2). Also called: Lissencephaly 2 (Norman-Roberts type). Identifiers: Orphanet 89844, MedGen C0796089, MONDO:0009760, OMIM 257320.
Familial temporal lobe epilepsy 7. Identifiers: Orphanet 101046, MedGen C4225327, MONDO:0014639, OMIM 616436.

Submission:

Labcorp Genetics (formerly Invitae), Labcorp
Classification: Uncertain significance for Familial temporal lobe epilepsy 7; Norman-Roberts syndrome. Last evaluated: 2024-11-09. Review status: criteria provided, single submitter. Criteria: Invitae Variant Classification Sherloc (09022015). Collection method: clinical testing. Allele origin: germline.
Comment: This sequence change replaces isoleucine, which is neutral and non-polar, with methionine, which is neutral and non-polar, at codon 218 of the RELN protein (p.Ile218Met). This variant is not present in population databases (gnomAD no frequency). This variant has not been reported in the literature in individuals affected with RELN-related conditions. ClinVar contains an entry for this variant (Variation ID: 2940474). An algorithm developed to predict the effect of missense changes on protein structure and function (PolyPhen-2) suggests that this variant is likely to be tolerated. In summary, the available evidence is currently insufficient to determine the role of this variant in disease. Therefore, it has been classified as a Variant of Uncertain Significance.